The following is an entry in ClinVar:

ClinVar aggregate classification (germline): Uncertain significance (1 of 4 stars; one submission).

Conditions:
Short-rib thoracic dysplasia 7 with or without polydactyly (SRTD7). Also called: Short rib polydactyly syndrome 5; SHORT-RIB THORACIC DYSPLASIA 7 WITH POLYDACTYLY. Identifiers: Orphanet 498497, Orphanet 93271, MedGen C3279792, MONDO:0013569, OMIM 614091.
Cranioectodermal dysplasia 2 (CED2). Identifiers: Orphanet 1515, MedGen C3150874, MONDO:0013323, OMIM 613610.

gnomAD v4.1: 1 of 1,613,864 alleles (0.000062%); highest among the groups gnomAD compares: Non-Finnish European, 0.000085%; no homozygotes.

Submission:

Labcorp Genetics (formerly Invitae), Labcorp
Classification: Uncertain significance for Cranioectodermal dysplasia 2; Short-rib thoracic dysplasia 7 with or without polydactyly. Last evaluated: 2024-11-18. Review status: criteria provided, single submitter. Criteria: Invitae Variant Classification Sherloc (09022015). Collection method: clinical testing. Allele origin: germline.
Comment: This sequence change falls in intron 21 of the WDR35 gene. It does not directly change the encoded amino acid sequence of the WDR35 protein. It affects a nucleotide within the consensus splice site. This variant is not present in population databases (gnomAD no frequency). This variant has not been reported in the literature in individuals affected with WDR35-related conditions. Variants that disrupt the consensus splice site are a relatively common cause of aberrant splicing (PMID: 17576681, 9536098). Algorithms developed to predict the effect of sequence changes on RNA splicing suggest that this variant is not likely to affect RNA splicing. In summary, the available evidence is currently insufficient to determine the role of this variant in disease. Therefore, it has been classified as a Variant of Uncertain Significance.

Literature cited by the submitters: PubMed 17576681; PubMed 9536098.

NM_020779.4(WDR35):c.2414+4T>C

Gene: WDR35 (WD repeat domain 35; minus strand). Cytogenetic location: 2p24.1.
Variant type: single nucleotide variant.
Coding change: c.2414+4T>C on transcript NM_020779.4 (MANE Select); 4 bases into the intron after coding-DNA position 2414, T replaced by C.
Molecular consequence: intron variant.
Genome position (GRCh38, 1-based): chr2:19,936,215, A>G on the plus strand (T>C on the coding strand, the complement: WDR35 is on the minus strand). VCF-style: chr2-19936215-A-G. GRCh37 (hg19) VCF-style: chr2-20135976-A-G.
Other names: c.2447+4T>C (NM_001006657.2).
Identifiers: ClinVar variation 3760998 (VCV003760998.2).